The following is an entry in ClinVar:

ClinVar aggregate classification (germline): Likely benign (1 of 4 stars; one submission).

Allele frequency attached by ClinVar (database versions not stated): 1000 Genomes Project 30x 0.00031.
gnomAD v4.1: 2 of 1,539,804 alleles (0.00013%); highest among the groups gnomAD compares: Admixed American, 0.0019%; no homozygotes.

Submission:

CeGaT Center for Human Genetics Tuebingen
Classification: Likely benign. Last evaluated: 2024-04-01. Review status: criteria provided, single submitter. Criteria: CeGaT Center For Human Genetics Tuebingen Variant Classification Criteria Version 2. Collection method: clinical testing. Allele origin: germline. Affected: yes. Observed: 1 variant allele.
Comment: COA8: BP4, BP7

NM_001370595.2(COA8):c.96C>G (p.Ala32=)

Gene: COA8 (cytochrome c oxidase assembly factor 8; plus strand). Cytogenetic location: 14q32.33.
Variant type: single nucleotide variant.
Coding change: c.96C>G on transcript NM_001370595.2 (MANE Select); coding-DNA position 96, C replaced by G.
Protein change: p.Ala32=; no amino-acid change (alanine 32 retained).
Molecular consequence: synonymous variant. On other transcripts: non-coding transcript variant (2).
Genome position (GRCh38, 1-based): chr14:103,563,097, C>G. VCF-style: chr14-103563097-C-G. GRCh37 (hg19) VCF-style: chr14-104029434-C-G.
Other names: c.96C>G, p.Ala32= (NM_001302653.2, NM_001302654.2); c.135C>G, p.Ala45= (NM_032374.4).
Identifiers: ClinVar variation 3234487 (VCV003234487.20), dbSNP rs1157855665, ClinGen allele CA391111395.